The following is an entry in ClinVar:

ClinVar aggregate classification (germline): Uncertain significance. Review status: criteria provided, multiple submitters, no conflicts (2 of 4 stars). 2 submissions from 2 submitters: Uncertain significance (2). Last evaluated 2023-12-16.

Conditions:
Inborn genetic diseases. Identifiers: MedGen C0950123, MeSH D030342.

Allele frequency attached by ClinVar (database versions not stated): gnomAD 0.00001; TOPMed 0.00001.
gnomAD v4.1: 2 of 1,613,824 alleles (0.00012%); highest among the groups gnomAD compares: African/African-American, 0.0027%; no homozygotes.

Submissions (2):

Ambry Genetics
Classification: Uncertain significance for Inborn genetic diseases. Last evaluated: 2023-12-16. Review status: criteria provided, single submitter. Criteria: Ambry Variant Classification Scheme 2023. Collection method: clinical testing. Allele origin: germline.

GeneDx
Classification: Uncertain significance. Last evaluated: 2023-05-15. Review status: criteria provided, single submitter. Criteria: GeneDx Variant Classification Process June 2021. Collection method: clinical testing. Allele origin: germline. Affected: yes.
Comment: Not observed at significant frequency in large population cohorts (gnomAD); In silico analysis supports that this missense variant does not alter protein structure/function; Has not been previously published as pathogenic or benign to our knowledge

NM_017780.4(CHD7):c.877A>G (p.Ser293Gly)

Gene: CHD7 (chromodomain helicase DNA binding protein 7; plus strand). Cytogenetic location: 8q12.2.
Variant type: single nucleotide variant.
Coding change: c.877A>G on transcript NM_017780.4 (MANE Select); coding-DNA position 877, A replaced by G.
Protein change: p.Ser293Gly; replaces serine 293 with glycine.
Molecular consequence: missense variant.
Genome position (GRCh38, 1-based): chr8:60,742,309, A>G. VCF-style: chr8-60742309-A-G. GRCh37 (hg19) VCF-style: chr8-61654868-A-G.
Other names: c.877A>G, p.Ser293Gly (NM_001316690.1); c.877A>G (NM_017780.3); short protein forms S293G.
Identifiers: ClinVar variation 2662275 (VCV002662275.2), dbSNP rs1809079318, ClinGen allele CA371299840.